The following is an entry in ClinVar:

ClinVar aggregate classification (germline): Uncertain significance (1 of 4 stars; one submission).

Submission:

Labcorp Genetics (formerly Invitae), Labcorp
Classification: Uncertain significance. Last evaluated: 2023-10-22. Review status: criteria provided, single submitter. Criteria: Invitae Variant Classification Sherloc (09022015). Collection method: clinical testing. Allele origin: germline.
Comment: This sequence change replaces serine, which is neutral and polar, with leucine, which is neutral and non-polar, at codon 295 of the WNT1 protein (p.Ser295Leu). This variant is not present in population databases (gnomAD no frequency). This variant has not been reported in the literature in individuals affected with WNT1-related conditions. Advanced modeling of protein sequence and biophysical properties (such as structural, functional, and spatial information, amino acid conservation, physicochemical variation, residue mobility, and thermodynamic stability) performed at Invitae indicates that this missense variant is expected to disrupt WNT1 protein function. In summary, the available evidence is currently insufficient to determine the role of this variant in disease. Therefore, it has been classified as a Variant of Uncertain Significance.

NM_005430.4(WNT1):c.884C>T (p.Ser295Leu)

Gene: WNT1 (Wnt family member 1; plus strand). Cytogenetic location: 12q13.12.
Variant type: single nucleotide variant.
Coding change: c.884C>T on transcript NM_005430.4 (MANE Select); coding-DNA position 884, C replaced by T.
Protein change: p.Ser295Leu; replaces serine 295 with leucine.
Molecular consequence: missense variant.
Genome position (GRCh38, 1-based): chr12:48,981,411, C>T. VCF-style: chr12-48981411-C-T. GRCh37 (hg19) VCF-style: chr12-49375194-C-T.
Other names: short protein forms S295L.
Identifiers: ClinVar variation 2716463 (VCV002716463.3), dbSNP rs387907356, ClinGen allele CA384636690.
Genomic context (GRCh38, chr12:48,981,411, plus strand): 5'-AGCCGGAAGACCCGGCCCACAAACCGCCCTCCCCCCACGACCTCGTCTACTTCGAGAAAT[C>T]GCCCAACTTCTGCACGTACAGCGGACGCCTGGGCACAGCAGGCACGGCAGGGCGCGCCTG-3'
Protein context (NP_005421.1, residues 285-305): SPHDLVYFEK[Ser295Leu]PNFCTYSGRL